The following is an entry in ClinVar:

ClinVar aggregate classification (germline): Pathogenic. Review status: criteria provided, multiple submitters, no conflicts (2 of 4 stars). 2 submissions from 2 submitters: Pathogenic (2). Last evaluated 2025-12-20.

Conditions:
Microcephaly 1, primary, autosomal recessive (MCPH1). Also called: PREMATURE CHROMOSOME CONDENSATION SYNDROME; PCC SYNDROME; PREMATURE CHROMOSOME CONDENSATION WITH MICROCEPHALY AND MENTAL RETARDATION. Identifiers: Orphanet 2512, MedGen C1855081, MONDO:0009617, OMIM 251200.

Submissions (2):

Myriad Genetics, Inc.
Classification: Pathogenic for Microcephaly 1, primary, autosomal recessive. Last evaluated: 2025-12-20. Review status: criteria provided, single submitter. Criteria: Myriad Autosomal Dominant, Autosomal Recessive and X-Linked Classification Criteria (2023). Collection method: clinical testing. Allele origin: unknown.
Comment: NM_024596.3(MCPH1):c.146dupA(H49Qfs*39) is expected to be pathogenic in the context of primary microcephaly, MCPH1-related. This variant is predicted to lead to an abnormal or absent protein product due to the creation of a premature termination codon in MCPH1, a gene where loss-of-function variants are known to be pathogenic. Please note: this variant was assessed in the context of healthy population screening.

Labcorp Genetics (formerly Invitae), Labcorp
Classification: Pathogenic. Last evaluated: 2022-09-17. Review status: criteria provided, single submitter. Criteria: Invitae Variant Classification Sherloc (09022015). Collection method: clinical testing. Allele origin: germline.
Comment: This sequence change creates a premature translational stop signal (p.His49Glnfs*39) in the MCPH1 gene. It is expected to result in an absent or disrupted protein product. Loss-of-function variants in MCPH1 are known to be pathogenic (PMID: 20978018). For these reasons, this variant has been classified as Pathogenic. This variant has not been reported in the literature in individuals affected with MCPH1-related conditions. This variant is not present in population databases (gnomAD no frequency).

Literature cited by the submitters: PubMed 20978018 (cited by Labcorp Genetics (formerly Invitae), Labcorp).

NM_024596.5(MCPH1):c.146dup (p.His49fs)

Gene: MCPH1 (microcephalin 1; plus strand). Cytogenetic location: 8p23.1.
Variant type: Duplication.
Coding change: c.146dup on transcript NM_024596.5 (MANE Select); coding-DNA position 146, one base duplicated (A; older notation c.146dupA).
Protein change: p.His49fs; shifts the reading frame from histidine 49.
Molecular consequence: frameshift variant. On other transcripts: non-coding transcript variant (1).
Genome position (GRCh38, 1-based): chr8:6,414,796, A duplicated. VCF-style (leftmost placement, unchanged base first): chr8-6414795-C-CA. GRCh37 (hg19) VCF-style: chr8-6272316-C-CA.
Other names: c.146dup, p.His49fs (NM_001172574.2, NM_001172575.2, NM_001322042.2 and 2 more transcripts); c.140dup, p.His47fs (NM_001322043.2); c.44dup, p.His15fs (NM_001322045.2); c.146dup, p.His49Glnfs (NM_001410916.1, NM_001410917.1); short protein forms H15fs, H49fs, H47fs.
Identifiers: ClinVar variation 2021482 (VCV002021482.5), dbSNP rs2486140778, ClinGen allele CA2580078838.